The following is an entry in ClinVar:

ClinVar aggregate classification (germline): Benign (1 of 4 stars; one submission).

Conditions:
Autosomal dominant optic atrophy classic form (OPA1). Also called: Optic Atrophy Type 1; KJER-TYPE OPTIC ATROPHY; OPTIC ATROPHY, JUVENILE. Identifiers: Orphanet 98673, MedGen C0338508, MONDO:0008134, OMIM 165500.

Allele frequency attached by ClinVar (database versions not stated): gnomAD 0.00396 and 0.00427; TOPMed 0.00427; 1000 Genomes Project 0.00519; 1000 Genomes Project 30x 0.00531.

Submission:

Illumina Laboratory Services, Illumina
Classification: Benign for Autosomal dominant optic atrophy classic form. Last evaluated: 2018-01-13. Review status: criteria provided, single submitter. Criteria: ICSL Variant Classification Criteria 13 December 2019. Collection method: clinical testing. Allele origin: germline.
Comment: This variant was observed in the ICSL laboratory as part of a predisposition screen in an ostensibly healthy population. It had not been previously curated by ICSL or reported in the Human Gene Mutation Database (HGMD: prior to June 1st, 2018), and was therefore a candidate for classification through an automated scoring system. Utilizing variant allele frequency, disease prevalence and penetrance estimates, and inheritance mode, an automated score was calculated to assess if this variant is too frequent to cause the disease. Based on the score and internal cut-off values, a variant classified as benign is not then subjected to further curation. The score for this variant resulted in a classification of benign for this disease.

NM_130837.3(OPA1):c.*220A>G

Gene: OPA1 (OPA1 mitochondrial dynamin like GTPase; plus strand). Cytogenetic location: 3q29.
Variant type: single nucleotide variant.
Coding change: c.*220A>G on transcript NM_130837.3 (MANE Select); 220 bases downstream of the stop codon, A replaced by G.
Molecular consequence: 3 prime UTR variant.
Genome position (GRCh38, 1-based): chr3:193,694,820, A>G. VCF-style: chr3-193694820-A-G. GRCh37 (hg19) VCF-style: chr3-193412609-A-G.
Other names: c.*220A>G (NM_001354663.2, NM_001354664.2, NM_015560.3 and 6 more transcripts).
Identifiers: ClinVar variation 344489 (VCV000344489.5), dbSNP rs76421015, ClinGen allele CA10618279.
Genomic context (GRCh38, chr3:193,694,820, plus strand): 5'-TCAGCTGCCTCTCGAATGGAAGAACAGTGGTAATGGATTAACATCCTATTTTGTTGTACT[A>G]AAGTGACAAATCGGAATAATATAATTGGTATGGCCATTAGGTTCAGTCCTTGAAGATAAG-3'